The following is an entry in ClinVar:

NM_001148.6(ANK2):c.11032+19delinsGTG

Gene: ANK2 (ankyrin 2; plus strand). Cytogenetic location: 4q26.
Variant type: Indel.
Coding change: c.11032+19delinsGTG on transcript NM_001148.6 (MANE Select); 19 bases into the intron after coding-DNA position 11032, A replaced by GTG.
Molecular consequence: intron variant.
Genome position (GRCh38, 1-based): chr4:113,365,201, A replaced by GTG. VCF-style: chr4-113365201-A-GTG. GRCh37 (hg19) VCF-style: chr4-114286357-A-GTG.
Other names: c.4762+19delinsGTG (NM_001386186.2, NM_001386148.2); c.4564+19delinsGTG (NM_001354269.3); c.4642+19delinsGTG (NM_001386187.2); c.4603+19delinsGTG (NM_001386147.1); c.4621+19delinsGTG (NM_001386160.1); c.4726+19delinsGTG (NM_001354254.2); c.4747+19delinsGTG (NM_001354239.2, NM_001354252.2); c.4648+19delinsGTG (NM_001354272.2); and 35 more.
Identifiers: ClinVar variation 928628 (VCV000928628.1), dbSNP rs2096464205, ClinGen allele CA1139655895.

ClinVar aggregate classification (germline): Likely benign (1 of 4 stars; one submission).

Submission:

Women's Health and Genetics/Laboratory Corporation of America, LabCorp
Classification: Likely benign. Last evaluated: 2019-11-21. Review status: criteria provided, single submitter. Criteria: LabCorp Variant Classification Summary - May 2015. Collection method: clinical testing. Allele origin: germline.
Comment: Variant summary: ANK2 c.11032+19delinsGTG alters a nucleotide located close to a canonical splice site and therefore could affect mRNA splicing, leading to a significantly altered protein sequence. 5/5 computational tools predict no significant impact on normal splicing. However, these predictions have yet to be confirmed by functional studies. The variant is located in a highly polmorphic TG region. The variant was absent in 242948 control chromosomes (gnomAD). The available data on variant occurrences in the general population are insufficient to allow any conclusion about variant significance. To our knowledge, no occurrence of c.11032+19delinsGTG in individuals affected with Arrhythmia and no experimental evidence demonstrating its impact on protein function have been reported. No clinical diagnostic laboratories have submitted clinical-significance assessments for this variant to ClinVar after 2014. Based on the evidence outlined above, the variant was classified as likely benign.